The following is an entry in ClinVar:

NM_001035.3(RYR2):c.6195C>T (p.Thr2065=)

Gene: RYR2 (ryanodine receptor 2; plus strand). Cytogenetic location: 1q43.
Variant type: single nucleotide variant.
Coding change: c.6195C>T on transcript NM_001035.3 (MANE Select); coding-DNA position 6195, C replaced by T.
Protein change: p.Thr2065=; no amino-acid change (threonine 2065 retained).
Molecular consequence: synonymous variant.
Genome position (GRCh38, 1-based): chr1:237,627,835, C>T. VCF-style: chr1-237627835-C-T. GRCh37 (hg19) VCF-style: chr1-237791135-C-T.
Identifiers: ClinVar variation 1140398 (VCV001140398.11), dbSNP rs1244724940, ClinGen allele CA423821675.

ClinVar aggregate classification (germline): Likely benign. Review status: criteria provided, multiple submitters, no conflicts (2 of 4 stars). 2 submissions from 2 submitters: Likely benign (2). Last evaluated 2024-07-29.

Conditions:
Catecholaminergic polymorphic ventricular tachycardia 1. Also called: RYR2-Related Catecholaminergic Polymorphic Ventricular Tachycardia; VENTRICULAR TACHYCARDIA, STRESS-INDUCED POLYMORPHIC 1; VENTRICULAR TACHYCARDIA, CATECHOLAMINERGIC POLYMORPHIC, 1, WITH OR WITHOUT ATRIAL DYSFUNCTION AND/OR DILATED CARDIOMYOPATHY. Identifiers: Orphanet 3286, MedGen C1631597, MONDO:0011484, OMIM 604772.
Catecholaminergic polymorphic ventricular tachycardia (CVPT). Also called: Catecholamine-induced polymorphic ventricular tachycardia. Identifiers: Orphanet 3286, MedGen C5574922, MONDO:0017990.

Allele frequency attached by ClinVar (database versions not stated): gnomAD exomes below 0.00001; TOPMed below 0.00001.
gnomAD v4.1: 2 of 1,608,780 alleles (0.00012%); highest among the groups gnomAD compares: Admixed American, 0.0034%; no homozygotes.

Submissions (2):

All of Us Research Program, National Institutes of Health
Classification: Likely benign for Catecholaminergic polymorphic ventricular tachycardia. Last evaluated: 2024-07-29. Review status: criteria provided, single submitter. Criteria: ACMG Guidelines, 2015. Collection method: clinical testing. Allele origin: germline. Inheritance: Autosomal dominant inheritance. Observed: 1 variant allele, 1 heterozygote.
Comment: This study involves interpretation of variants in research participants for the purpose of population health screening. Participant phenotype was not available at the time of variant classification. Additional details can be found in publication PMID: 35346344, PMCID: PMC8962531

Labcorp Genetics (formerly Invitae), Labcorp
Classification: Likely benign for Catecholaminergic polymorphic ventricular tachycardia 1. Last evaluated: 2020-07-13. Review status: criteria provided, single submitter. Criteria: Invitae Variant Classification Sherloc (09022015). Collection method: clinical testing. Allele origin: germline.